The following is an entry in ClinVar:

NM_003494.4(DYSF):c.1498G>A (p.Val500Ile)

Gene: DYSF (dysferlin; plus strand). Cytogenetic location: 2p13.2.
Variant type: single nucleotide variant.
Coding change: c.1498G>A on transcript NM_003494.4 (MANE Plus Clinical); coding-DNA position 1498, G replaced by A.
Protein change: p.Val500Ile; replaces valine 500 with isoleucine.
Molecular consequence: missense variant. On other transcripts: intron variant (8).
Genome position (GRCh38, 1-based): chr2:71,549,367, G>A. VCF-style: chr2-71549367-G-A. GRCh37 (hg19) VCF-style: chr2-71776497-G-A.
Other names: c.1501G>A, p.Val501Ile (NM_001130455.2, NM_001130983.2); c.1498G>A, p.Val500Ile (NM_001130978.2); c.1591G>A, p.Val531Ile (NM_001130979.2); c.1594G>A, p.Val532Ile (NM_001130982.2); c.1574-1674G>A (NM_001130981.2, NM_001130980.2); c.1481-1674G>A (NM_001130977.2, NM_001130976.2); c.1577-1674G>A (NM_001130987.2, NM_001130985.2); c.1484-1674G>A (NM_001130984.2, NM_001130986.2); short protein forms V500I, V501I, V531I, V532I.
Identifiers: ClinVar variation 1524625 (VCV001524625.5), dbSNP rs2152783863, ClinGen allele CA347217222.

ClinVar aggregate classification (germline): Uncertain significance (1 of 4 stars; one submission).

Conditions:
Neuromuscular disease caused by qualitative or quantitative defects of dysferlin. Also called: Dysferlinopathy; Qualitative or quantitative defects of dysferlin. Identifiers: Orphanet 207073, MedGen C2931687, MONDO:0016145.

Submission:

Labcorp Genetics (formerly Invitae), Labcorp
Classification: Uncertain significance for Neuromuscular disease caused by qualitative or quantitative defects of dysferlin. Last evaluated: 2021-09-17. Review status: criteria provided, single submitter. Criteria: Invitae Variant Classification Sherloc (09022015). Collection method: clinical testing. Allele origin: germline.
Comment: This sequence change replaces valine with isoleucine at codon 500 of the DYSF protein (p.Val500Ile). The valine residue is weakly conserved and there is a small physicochemical difference between valine and isoleucine. This variant is not present in population databases (ExAC no frequency). This variant has not been reported in the literature in individuals affected with DYSF-related conditions. Advanced modeling of protein sequence and biophysical properties (such as structural, functional, and spatial information, amino acid conservation, physicochemical variation, residue mobility, and thermodynamic stability) performed at Invitae indicates that this missense variant is not expected to disrupt DYSF protein function. In summary, the available evidence is currently insufficient to determine the role of this variant in disease. Therefore, it has been classified as a Variant of Uncertain Significance.